The following is an entry in ClinVar:

ClinVar aggregate classification (germline): Uncertain significance (1 of 4 stars; one submission).

Allele frequency attached by ClinVar (database versions not stated): ExAC 0.00001; gnomAD 0.00001; TOPMed 0.00001; gnomAD exomes 0.00002.
gnomAD v4.1: 11 of 1,613,400 alleles (0.00068%); highest among the groups gnomAD compares: South Asian, 0.0099%; 1 homozygote.

Submission:

Labcorp Genetics (formerly Invitae), Labcorp
Classification: Uncertain significance. Last evaluated: 2022-05-25. Review status: criteria provided, single submitter. Criteria: Invitae Variant Classification Sherloc (09022015). Collection method: clinical testing. Allele origin: germline.
Comment: In summary, the available evidence is currently insufficient to determine the role of this variant in disease. Therefore, it has been classified as a Variant of Uncertain Significance. Algorithms developed to predict the effect of missense changes on protein structure and function are either unavailable or do not agree on the potential impact of this missense change (SIFT: "Deleterious"; PolyPhen-2: "Probably Damaging"; Align-GVGD: "Class C0"). This variant has not been reported in the literature in individuals affected with ATR-related conditions. This variant is present in population databases (rs748141166, gnomAD 0.003%). This sequence change replaces serine, which is neutral and polar, with phenylalanine, which is neutral and non-polar, at codon 10 of the ATR protein (p.Ser10Phe).

NM_001184.4(ATR):c.29C>T (p.Ser10Phe)

Genes: ATR (ATR checkpoint kinase; minus strand), LOC129937703 (ATAC-STARR-seq lymphoblastoid active region 20643; plus strand). Cytogenetic location: 3q23.
Variant type: single nucleotide variant.
Coding change: c.29C>T on transcript NM_001184.4 (MANE Select); coding-DNA position 29, C replaced by T.
Protein change: p.Ser10Phe; replaces serine 10 with phenylalanine.
Molecular consequence: missense variant.
Genome position (GRCh38, 1-based): chr3:142,578,676, G>A on the plus strand (C>T on the coding strand, the complement: ATR is on the minus strand). VCF-style: chr3-142578676-G-A. GRCh37 (hg19) VCF-style: chr3-142297518-G-A.
Other names: c.29C>T, p.Ser10Phe (NM_001354579.2); short protein forms S10F.
Identifiers: ClinVar variation 2169717 (VCV002169717.4), dbSNP rs748141166, ClinGen allele CA2650870.